The following is an entry in ClinVar:

ClinVar aggregate classification (germline): Uncertain significance. Review status: criteria provided, multiple submitters, no conflicts (2 of 4 stars). 2 submissions from 2 submitters: Uncertain significance (2). Last evaluated 2025-01-13.

Conditions:
Cardiomyopathy (CMYO). Also called: Cardiomyopathies. Identifiers: Orphanet 167848, MedGen C0878544, MONDO:0004994, HP:0001638. Inheritance: Various modes of inheritance.
Arrhythmogenic right ventricular cardiomyopathy (ARVD). Also called: Arrhythmogenic cardiomyopathy; Cardiomyopathy, ARVC; Arrhythmogenic right ventricular dysplasia; Arrhythmogenic Right Ventricular Cardiomyopathy (ARVC). Identifiers: Orphanet 247, MedGen C0349788, MeSH D019571, MONDO:0016587. Disease mechanism: loss of function. Inheritance: Various modes of inheritance.

Allele frequency attached by ClinVar (database versions not stated): gnomAD exomes below 0.00001; gnomAD 0.00001.
gnomAD v4.1: 2 of 1,614,102 alleles (0.00012%); highest among the groups gnomAD compares: Non-Finnish European, 0.00017%; no homozygotes.

Submissions (2):

Color Diagnostics, LLC DBA Color Health
Classification: Uncertain significance for Cardiomyopathy. Last evaluated: 2025-01-13. Review status: criteria provided, single submitter. Criteria: ACMG Guidelines, 2015. Collection method: clinical testing. Allele origin: germline.
Comment: This missense variant replaces lysine with asparagine at codon 892 of the DSG2 protein. Computational prediction tools and conservation analyses are inconclusive regarding the impact of this variant on the protein function. Computational splicing tools suggest that this variant may not impact RNA splicing. To our knowledge, functional assays have not been performed for this variant nor has this variant been reported in individuals affected with cardiovascular disorders in the literature. This variant has been identified in 1/31404 chromosomes in the general population by the Genome Aggregation Database (gnomAD). Available evidence is insufficient to determine the role of this variant in disease conclusively. Therefore, this variant is classified as a Variant of Uncertain Significance.

All of Us Research Program, National Institutes of Health
Classification: Uncertain significance for Arrhythmogenic right ventricular cardiomyopathy. Last evaluated: 2023-06-28. Review status: criteria provided, single submitter. Criteria: ACMG Guidelines, 2015. Collection method: clinical testing. Allele origin: germline. Inheritance: Autosomal dominant inheritance. Observed: 1 variant allele, 1 heterozygote.
Comment: This missense variant replaces lysine with asparagine at codon 892 of the DSG2 protein. Computational prediction tools and conservation analyses are inconclusive regarding the impact of this variant on the protein function. Computational splicing tools suggest that this variant may not impact RNA splicing. To our knowledge, functional assays have not been performed for this variant nor has this variant been reported in individuals affected with cardiovascular disorders in the literature. This variant has been identified in 1/31404 chromosomes in the general population by the Genome Aggregation Database (gnomAD). Available evidence is insufficient to determine the role of this variant in disease conclusively. Therefore, this variant is classified as a Variant of Uncertain Significance.

This study involves interpretation of variants in research participants for the purpose of population health screening. Participant phenotype was not available at the time of variant classification. Additional details can be found in publication PMID: 35346344, PMCID: PMC8962531

NM_001943.5(DSG2):c.2676A>T (p.Lys892Asn)

Genes: DSG2 (desmoglein 2; plus strand), DSG2-AS1 (DSG2 antisense RNA 1; minus strand). Cytogenetic location: 18q12.1.
Variant type: single nucleotide variant.
Coding change: c.2676A>T on transcript NM_001943.5 (MANE Select); coding-DNA position 2676, A replaced by T.
Protein change: p.Lys892Asn; replaces lysine 892 with asparagine.
Molecular consequence: missense variant.
Genome position (GRCh38, 1-based): chr18:31,546,062, A>T. VCF-style: chr18-31546062-A-T. GRCh37 (hg19) VCF-style: chr18-29126025-A-T.
Other names: short protein forms K892N.
Identifiers: ClinVar variation 921950 (VCV000921950.6), dbSNP rs1393096287, ClinGen allele CA402146021.